The following is an entry in ClinVar:

NM_033109.5(PNPT1):c.2129C>T (p.Thr710Ile)

Gene: PNPT1 (polyribonucleotide nucleotidyltransferase 1; minus strand). Cytogenetic location: 2p16.1.
Variant type: single nucleotide variant.
Coding change: c.2129C>T on transcript NM_033109.5 (MANE Select); coding-DNA position 2129, C replaced by T.
Protein change: p.Thr710Ile; replaces threonine 710 with isoleucine.
Molecular consequence: missense variant.
Genome position (GRCh38, 1-based): chr2:55,640,646, G>A on the plus strand (C>T on the coding strand, the complement: PNPT1 is on the minus strand). VCF-style: chr2-55640646-G-A. GRCh37 (hg19) VCF-style: chr2-55867781-G-A.
Other names: short protein forms T710I.
Identifiers: ClinVar variation 2077758 (VCV002077758.4), dbSNP rs367694300, ClinGen allele CA1667802.

ClinVar aggregate classification (germline): Uncertain significance (1 of 4 stars; one submission).

Allele frequency attached by ClinVar (database versions not stated): ExAC 0.00002; gnomAD exomes below 0.00001; ESP Exome Variant Server 0.00008.
gnomAD v4.1: 5 of 1,591,256 alleles (0.00031%); highest among the groups gnomAD compares: Non-Finnish European, 0.00043%; no homozygotes.

Submission:

Labcorp Genetics (formerly Invitae), Labcorp
Classification: Uncertain significance. Last evaluated: 2024-02-24. Review status: criteria provided, single submitter. Criteria: Invitae Variant Classification Sherloc (09022015). Collection method: clinical testing. Allele origin: germline.
Comment: This sequence change replaces threonine, which is neutral and polar, with isoleucine, which is neutral and non-polar, at codon 710 of the PNPT1 protein (p.Thr710Ile). This variant is present in population databases (rs367694300, gnomAD 0.002%). This variant has not been reported in the literature in individuals affected with PNPT1-related conditions. ClinVar contains an entry for this variant (Variation ID: 2077758). Advanced modeling of protein sequence and biophysical properties (such as structural, functional, and spatial information, amino acid conservation, physicochemical variation, residue mobility, and thermodynamic stability) performed at Invitae indicates that this missense variant is not expected to disrupt PNPT1 protein function with a negative predictive value of 80%. In summary, the available evidence is currently insufficient to determine the role of this variant in disease. Therefore, it has been classified as a Variant of Uncertain Significance.